The following is an entry in ClinVar:

NM_016562.4(TLR7):c.1837A>T (p.Ser613Cys)

Gene: TLR7 (toll like receptor 7; plus strand). Cytogenetic location: Xp22.2.
Variant type: single nucleotide variant.
Coding change: c.1837A>T on transcript NM_016562.4 (MANE Select); coding-DNA position 1837, A replaced by T.
Protein change: p.Ser613Cys; replaces serine 613 with cysteine.
Molecular consequence: missense variant.
Genome position (GRCh38, 1-based): chrX:12,887,345, A>T. VCF-style: chrX-12887345-A-T. GRCh37 (hg19) VCF-style: chrX-12905464-A-T.
Other names: short protein forms S613C.
Identifiers: ClinVar variation 3346277 (VCV003346277.1).

ClinVar aggregate classification (germline): Uncertain significance (0 of 4 stars; one submission).

Conditions:
TLR7-related disorder. Also called: TLR7-related condition.

Submission:

PreventionGenetics, part of Exact Sciences
Classification: Uncertain significance for TLR7-related condition. Last evaluated: 2024-07-15. Review status: no assertion criteria provided. Collection method: clinical testing. Allele origin: germline.
Comment: The TLR7 c.1837A>T variant is predicted to result in the amino acid substitution p.Ser613Cys. To our knowledge, this variant has not been reported in the literature or in a large population database, indicating this variant is rare. At this time, the clinical significance of this variant is uncertain due to the absence of conclusive functional and genetic evidence.